The following is an entry in ClinVar:

ClinVar aggregate classification (germline): Uncertain significance (1 of 4 stars; one submission).

Conditions:
Usher syndrome type 1 (USH1). Also called: RETINITIS PIGMENTOSA AND CONGENITAL DEAFNESS. Identifiers: Orphanet 231169, Orphanet 886, MedGen C1568247, MONDO:0010168, OMIM 276900.

gnomAD v4.1: 1 of 1,582,750 alleles (0.000063%); highest among the groups gnomAD compares: East Asian, 0.0023%; no homozygotes.

Submission:

Myriad Genetics, Inc.
Classification: Uncertain significance for Usher syndrome type 1. Last evaluated: 2025-11-25. Review status: criteria provided, single submitter. Criteria: Myriad Autosomal Dominant, Autosomal Recessive and X-Linked Classification Criteria (2023). Collection method: clinical testing. Allele origin: unknown.
Comment: NM_000260.3(MYO7A):c.6193C>T(P2065S) is a missense variant classified as a variant of uncertain significance in the context of MYO7A-related disorders. P2065S has been observed in a case with relevant disease (PMID: 35640668). Relevant functional assessments of this variant are not available in the literature. P2065S has not been observed in referenced population frequency databases. In summary, there is insufficient evidence to classify NM_000260.3(MYO7A):c.6193C>T(P2065S) as pathogenic or benign. Please note: this variant was assessed in the context of healthy population screening.

Literature cited by the submitters: PubMed 35640668.

NM_000260.4(MYO7A):c.6193C>T (p.Pro2065Ser)

Gene: MYO7A (myosin VIIA; plus strand). Cytogenetic location: 11q13.5.
Variant type: single nucleotide variant.
Coding change: c.6193C>T on transcript NM_000260.4 (MANE Select); coding-DNA position 6193, C replaced by T.
Protein change: p.Pro2065Ser; replaces proline 2065 with serine.
Molecular consequence: missense variant.
Genome position (GRCh38, 1-based): chr11:77,211,293, C>T. VCF-style: chr11-77211293-C-T. GRCh37 (hg19) VCF-style: chr11-76922338-C-T.
Other names: c.6079C>T, p.Pro2027Ser (NM_001127180.2); c.6046C>T, p.Pro2016Ser (NM_001369365.1); short protein forms P2016S, P2027S, P2065S.
Identifiers: ClinVar variation 5003833 (VCV005003833.1).